The following is an entry in ClinVar:

ClinVar aggregate classification (germline): Pathogenic. Review status: criteria provided, multiple submitters, no conflicts (2 of 4 stars). 2 submissions from 2 submitters: Pathogenic (2). Last evaluated 2022-07-26.

Conditions:
Bethlem myopathy 1A. Also called: Bethlem myopathy 1; Bethlem Muscular Dystrophy; MYOPATHY, BENIGN CONGENITAL, WITH CONTRACTURES. Identifiers: Orphanet 610, MedGen CN029274, MONDO:0024530, OMIM 158810.

Submissions (2):

Labcorp Genetics (formerly Invitae), Labcorp
Classification: Pathogenic for Bethlem myopathy 1A. Last evaluated: 2022-07-26. Review status: criteria provided, single submitter. Criteria: Invitae Variant Classification Sherloc (09022015). Collection method: clinical testing. Allele origin: germline.
Comment: This sequence change affects an acceptor splice site in intron 8 of the COL6A1 gene. It is expected to disrupt RNA splicing. Variants that disrupt the donor or acceptor splice site typically lead to a loss of protein function (PMID: 16199547), and loss-of-function variants in COL6A1 are known to be disease-causing for autosomal recessive COL6A1 conditions (PMID: 21280092, 20976770). However, certain variants affecting donor or acceptor splice sites in the triple helical domain of COL6A1 are expected to result in in-frame exon skipping and have been reported to cause autosomal dominant COL6A1-related conditions (PMID: 18366090). This variant is not present in population databases (gnomAD no frequency). Disruption of this splice site has been observed in individuals with clinical features of autosomal dominant type VI collagenopathy (PMID: 29419890; Invitae). ClinVar contains an entry for this variant (Variation ID: 93888). Algorithms developed to predict the effect of sequence changes on RNA splicing suggest that this variant may disrupt the consensus splice site. For these reasons, this variant has been classified as Pathogenic.

Eurofins Ntd Llc (ga)
Classification: Pathogenic. Last evaluated: 2012-08-28. Review status: criteria provided, single submitter. Criteria: EGL Classification Definitions. Collection method: clinical testing. Allele origin: germline. Observed: 3 variant alleles, 3 heterozygotes.

Literature cited by the submitters: PubMed 16199547 (cited by Labcorp Genetics (formerly Invitae), Labcorp); PubMed 21280092 (cited by Labcorp Genetics (formerly Invitae), Labcorp); PubMed 20976770 (cited by Labcorp Genetics (formerly Invitae), Labcorp); PubMed 18366090 (cited by Labcorp Genetics (formerly Invitae), Labcorp); PubMed 29419890 (cited by Labcorp Genetics (formerly Invitae), Labcorp).

NM_001848.3(COL6A1):c.805-2A>G

Gene: COL6A1 (collagen type VI alpha 1 chain; plus strand). Cytogenetic location: 21q22.3.
Variant type: single nucleotide variant.
Coding change: c.805-2A>G on transcript NM_001848.3 (MANE Select); the canonical splice acceptor site of the intron before coding-DNA position 805, A replaced by G.
Molecular consequence: splice acceptor variant.
Genome position (GRCh38, 1-based): chr21:45,989,082, A>G. VCF-style: chr21-45989082-A-G. GRCh37 (hg19) VCF-style: chr21-47408996-A-G.
Identifiers: ClinVar variation 93888 (VCV000093888.20), dbSNP rs398123639, ClinGen allele CA221794.